The following is an entry in ClinVar:

ClinVar aggregate classification (germline): Conflicting classifications of pathogenicity. Review status: criteria provided, conflicting classifications (1 of 4 stars). 4 submissions from 4 submitters: Pathogenic (1); Likely pathogenic (1); Uncertain significance (1). 1 of the submissions does not count toward it. Last evaluated 2025-07-21.

Conditions:
Autosomal recessive polycystic kidney disease (ARPKD). Also called: AR polycystic kidney disease. Identifiers: Orphanet 731, Orphanet 8378, MedGen C0085548, MeSH D017044, MONDO:0009889.
Polycystic kidney disease 4 (PKD4). Also called: POLYCYSTIC KIDNEY DISEASE 4 WITH OR WITHOUT POLYCYSTIC LIVER DISEASE; POLYCYSTIC KIDNEY AND HEPATIC DISEASE 1; POLYCYSTIC KIDNEY DISEASE, INFANTILE, TYPE I; PKD3; Autosomal Recessive Polycystic Kidney Disease – PKHD1. Identifiers: MedGen C4540575, MONDO:0033004, OMIM 263200.

Allele frequency attached by ClinVar (database versions not stated): gnomAD exomes below 0.00001.
gnomAD v4.1: 2 of 1,611,614 alleles (0.00012%); highest among the groups gnomAD compares: Non-Finnish European, 0.00017%; no homozygotes.

Submissions (4):

Women's Health and Genetics/Laboratory Corporation of America, LabCorp
Classification: Uncertain significance. Last evaluated: 2025-07-21. Review status: criteria provided, single submitter. Criteria: LabCorp Variant Classification Summary - May 2015. Collection method: clinical testing. Allele origin: germline.
Comment: Variant summary: PKHD1 c.11218C>T (p.Pro3740Ser) results in a non-conservative amino acid change in the encoded protein sequence. Algorithms developed to predict the effect of missense changes on protein structure and function all suggest that this variant is likely to be disruptive. The variant was absent in 251182 control chromosomes (gnomAD). c.11218C>T has been reported in the literature in two siblings from a family affected with autosomal recessive polycystic kidney disease where it was seen in trans with a pathogenic variant (Bergmann_2005). These data indicate that the variant may be associated with disease. To our knowledge, no experimental evidence demonstrating an impact on protein function has been reported. The following publication has been ascertained in the context of this evaluation (PMID: 15698423). ClinVar contains an entry for this variant (Variation ID: 553997). Based on the evidence outlined above, the variant was classified as VUS-possibly pathogenic.

Fulgent Genetics
Classification: Likely pathogenic for Polycystic kidney disease 4. Last evaluated: 2024-06-18. Review status: criteria provided, single submitter. Criteria: ACMG Guidelines, 2015. Collection method: clinical testing. Allele origin: germline.

Labcorp Genetics (formerly Invitae), Labcorp
Classification: Pathogenic for Autosomal recessive polycystic kidney disease. Last evaluated: 2024-01-30. Review status: criteria provided, single submitter. Criteria: Invitae Variant Classification Sherloc (09022015). Collection method: clinical testing. Allele origin: germline.
Comment: This sequence change replaces proline, which is neutral and non-polar, with serine, which is neutral and polar, at codon 3740 of the PKHD1 protein (p.Pro3740Ser). This variant is not present in population databases (gnomAD no frequency). This missense change has been observed in individual(s) with polycystic kidney disease (PMID: 15698423). In at least one individual the data is consistent with being in trans (on the opposite chromosome) from a pathogenic variant. It has also been observed to segregate with disease in related individuals. ClinVar contains an entry for this variant (Variation ID: 553997). Advanced modeling of protein sequence and biophysical properties (such as structural, functional, and spatial information, amino acid conservation, physicochemical variation, residue mobility, and thermodynamic stability) performed at Invitae indicates that this missense variant is expected to disrupt PKHD1 protein function with a positive predictive value of 95%. For these reasons, this variant has been classified as Pathogenic.

Counsyl
Classification: Uncertain significance for Polycystic kidney disease 4. Last evaluated: 2017-10-06. Review status: no assertion criteria provided. Collection method: clinical testing. Allele origin: unknown. Not counted in ClinVar's aggregate classification.

Literature cited by the submitters: PubMed 15698423 (cited by 3 submitters).

NM_138694.4(PKHD1):c.11218C>T (p.Pro3740Ser)

Gene: PKHD1 (PKHD1 ciliary IPT domain containing fibrocystin/polyductin; minus strand). Cytogenetic location: 6p12.3.
Variant type: single nucleotide variant.
Coding change: c.11218C>T on transcript NM_138694.4 (MANE Select); coding-DNA position 11218, C replaced by T.
Protein change: p.Pro3740Ser; replaces proline 3740 with serine.
Molecular consequence: missense variant.
Genome position (GRCh38, 1-based): chr6:51,649,177, G>A on the plus strand (C>T on the coding strand, the complement: PKHD1 is on the minus strand). VCF-style: chr6-51649177-G-A. GRCh37 (hg19) VCF-style: chr6-51513975-G-A.
Other names: short protein forms P3740S.
Identifiers: ClinVar variation 553997 (VCV000553997.8), dbSNP rs1554176504, ClinGen allele CA364426388.